The following is an entry in ClinVar:

ClinVar aggregate classification (germline): Uncertain significance (1 of 4 stars; one submission).

Submission:

GeneDx
Classification: Uncertain significance. Last evaluated: 2019-04-25. Review status: criteria provided, single submitter. Criteria: GeneDx Variant Classification Process June 2021. Collection method: clinical testing. Allele origin: germline. Affected: yes.
Comment: Not observed [at a significant frequency] in large population cohorts (Lek et al., 2016); Frameshift variant predicted to result in protein truncation as the last 34 amino acids are lost and replaced with 15 incorrect amino acids, although loss-of-function variants have not been reported downstream of this position in the protein; Has not been previously published as pathogenic or benign to our knowledge

NM_001042472.3(ABHD12):c.1092dup (p.His365fs)

Gene: ABHD12 (abhydrolase domain containing 12, lysophospholipase; minus strand). Cytogenetic location: 20p11.21.
Variant type: Duplication.
Coding change: c.1092dup on transcript NM_001042472.3 (MANE Select); coding-DNA position 1092, one base duplicated (T; older notation c.1092dupT).
Protein change: p.His365fs; shifts the reading frame from histidine 365.
Molecular consequence: frameshift variant.
Genome position (GRCh38, 1-based): chr20:25,302,284, A duplicated on the plus strand (T on the coding strand, the reverse complement: ABHD12 is on the minus strand); the first of 3 consecutive A bases (chr20:25,302,284-25,302,286); duplicating any one gives the same sequence. VCF-style (leftmost placement, unchanged base first): chr20-25302283-G-GA. GRCh37 (hg19) VCF-style: chr20-25282919-G-GA.
Other names: c.1092dup, p.His365fs (NM_015600.5); c.1092dupT (NM_001042472.2); short protein forms H365fs.
Identifiers: ClinVar variation 503776 (VCV000503776.4), dbSNP rs1555810319, ClinGen allele CA658799349.